The following is an entry in ClinVar:

ClinVar aggregate classification (germline): Likely pathogenic (1 of 4 stars; one submission).

Conditions:
Primary ciliary dyskinesia. Also called: Ciliary dyskinesia. Identifiers: Orphanet 244, MedGen C0008780, MONDO:0016575, HP:0012265.

Submission:

Natera, Inc.
Classification: Likely pathogenic for Primary ciliary dyskinesia. Last evaluated: 2025-06-16. Review status: criteria provided, single submitter. Criteria: Natera Variant Classification Schema (03/2026). Collection method: clinical testing. Allele origin: germline.
Comment: The c.1490-2A>C variant in DNAI1 is a canonical splice acceptor site variant predicted to affect pre-mRNA splicing, which may result in an abnormal transcript and altered protein product. This variant is expected to result in nonsense mediated decay, truncation, or a dysfunctional protein product. This variant is rare in the general population with a frequency below the threshold expected for the associated phenotype(s). Given the available evidence, this variant is classified as Likely Pathogenic.

NM_012144.4(DNAI1):c.1490-2A>C

Gene: DNAI1 (dynein axonemal intermediate chain 1; plus strand). Cytogenetic location: 9p13.3.
Variant type: single nucleotide variant.
Coding change: c.1490-2A>C on transcript NM_012144.4 (MANE Select); the canonical splice acceptor site of the intron before coding-DNA position 1490, A replaced by C.
Molecular consequence: splice acceptor variant.
Genome position (GRCh38, 1-based): chr9:34,513,110, A>C. VCF-style: chr9-34513110-A-C. GRCh37 (hg19) VCF-style: chr9-34513108-A-C.
Other names: c.1502-2A>C (NM_001281428.2).
Identifiers: ClinVar variation 4815537 (VCV004815537.1).